The following is an entry in ClinVar:

ClinVar aggregate classification (germline): Conflicting classifications of pathogenicity. Review status: criteria provided, conflicting classifications (1 of 4 stars). 8 submissions from 8 submitters: Uncertain significance (2); Likely benign (5). 1 of the submissions does not count toward it. Last evaluated 2026-02-01.

Conditions:
PHKB-related disorder. Also called: PHKB-related condition.
Glycogen storage disease IXb (GSD9B). Also called: GLYCOGENOSIS OF LIVER AND MUSCLE, AUTOSOMAL RECESSIVE; GSD IXb; PHOSPHORYLASE KINASE DEFICIENCY OF LIVER AND MUSCLE, AUTOSOMAL RECESSIVE. Identifiers: Orphanet 79240, MedGen C0543514, MONDO:0009868, OMIM 261750.

Allele frequency attached by ClinVar (database versions not stated): 1000 Genomes Project 30x 0.00031; 1000 Genomes Project 0.00040; TOPMed 0.00135; ESP Exome Variant Server 0.00139; gnomAD exomes 0.00143 and 0.00159; gnomAD 0.00165 and 0.00166; ExAC 0.00179.
gnomAD v4.1: 2,082 of 1,437,504 alleles (0.14%); highest among the groups gnomAD compares: Middle Eastern, 0.56%; 8 homozygotes.

Submissions (24):

CeGaT Center for Human Genetics Tuebingen
Classification: Likely benign. Last evaluated: 2026-02-01. Review status: criteria provided, single submitter. Criteria: CeGaT Center For Human Genetics Tuebingen Variant Classification Criteria Version 2. Collection method: clinical testing. Allele origin: germline. Affected: yes. Observed: 5 variant alleles.
Comment: PHKB: BS2

Labcorp Genetics (formerly Invitae), Labcorp
Classification: Likely benign for Glycogen storage disease IXb. Last evaluated: 2026-01-28. Review status: criteria provided, single submitter. Criteria: Invitae Variant Classification Sherloc (09022015). Collection method: clinical testing. Allele origin: germline.

Mayo Clinic Laboratories, Mayo Clinic
Classification: Likely benign. Last evaluated: 2025-10-16. Review status: criteria provided, single submitter. Criteria: ACMG Guidelines, 2015. Collection method: clinical testing. Allele origin: germline. Observed: 2 variant alleles.
Comment: BS1, BS2

ARUP Laboratories, Molecular Genetics and Genomics, ARUP Laboratories
Classification: Likely benign for Glycogen storage disease IXb. Last evaluated: 2024-06-25. Review status: criteria provided, single submitter. Criteria: ARUP Molecular Germline Variant Investigation Process 2024. Collection method: clinical testing. Allele origin: germline.

Genomic Research Center, Shahid Beheshti University of Medical Sciences
Classification: Uncertain significance for Glycogen storage disease IXb. Last evaluated: 2018-03-05. Review status: criteria provided, single submitter. Criteria: ACMG Guidelines, 2015. Collection method: clinical testing. Allele origin: inherited. Affected: no. Observed: 1 variant allele.

GeneDx
Classification: Likely benign. Last evaluated: 2018-01-22. Review status: criteria provided, single submitter. Criteria: GeneDx Variant Classification (06012015). Collection method: clinical testing. Allele origin: germline. Affected: yes.
Comment: This variant is considered likely benign or benign based on one or more of the following criteria: it is a conservative change, it occurs at a poorly conserved position in the protein, it is predicted to be benign by multiple in silico algorithms, and/or has population frequency not consistent with disease.

Illumina Laboratory Services, Illumina
Classification: Uncertain significance for Glycogen storage disease IXb. Last evaluated: 2018-01-12. Review status: criteria provided, single submitter. Criteria: ICSL Variant Classification Criteria 13 December 2019. Collection method: clinical testing. Allele origin: germline.

PreventionGenetics, part of Exact Sciences
Classification: Likely benign for PHKB-related condition. Last evaluated: 2022-02-26. Review status: no assertion criteria provided. Collection method: clinical testing. Allele origin: germline. Not counted in ClinVar's aggregate classification.
Comment: This variant is classified as likely benign based on ACMG/AMP sequence variant interpretation guidelines (Richards et al. 2015 PMID: 25741868, with internal and published modifications).

Dr. Peter K. Rogan Lab, Western University
No classification provided (evidence only). Condition: Clear cell carcinoma of kidney. Review status: no classification provided. Collection method: in vitro. Allele origin: not applicable. Functional consequence: retained intron. Not counted in ClinVar's aggregate classification.

Dr. Peter K. Rogan Lab, Western University
No classification provided (evidence only). Condition: Lung cancer. Review status: no classification provided. Collection method: in vitro. Allele origin: not applicable. Functional consequence: retained intron. Not counted in ClinVar's aggregate classification.

Dr. Peter K. Rogan Lab, Western University
No classification provided (evidence only). Condition: Lung cancer. Review status: no classification provided. Collection method: in vitro. Allele origin: not applicable. Functional consequence: retained intron. Not counted in ClinVar's aggregate classification.

Dr. Peter K. Rogan Lab, Western University
No classification provided (evidence only). Condition: Melanoma. Review status: no classification provided. Collection method: in vitro. Allele origin: not applicable. Functional consequence: retained intron. Not counted in ClinVar's aggregate classification.

Dr. Peter K. Rogan Lab, Western University
No classification provided (evidence only). Condition: Melanoma. Review status: no classification provided. Collection method: in vitro. Allele origin: not applicable. Functional consequence: retained intron. Not counted in ClinVar's aggregate classification.

Dr. Peter K. Rogan Lab, Western University
No classification provided (evidence only). Condition: Familial cancer of breast. Review status: no classification provided. Collection method: in vitro. Allele origin: not applicable. Functional consequence: retained intron. Not counted in ClinVar's aggregate classification.

Dr. Peter K. Rogan Lab, Western University
No classification provided (evidence only). Condition: Familial cancer of breast. Review status: no classification provided. Collection method: in vitro. Allele origin: not applicable. Functional consequence: retained intron. Not counted in ClinVar's aggregate classification.

Dr. Peter K. Rogan Lab, Western University
No classification provided (evidence only). Condition: Familial cancer of breast. Review status: no classification provided. Collection method: in vitro. Allele origin: not applicable. Functional consequence: retained intron. Not counted in ClinVar's aggregate classification.

Dr. Peter K. Rogan Lab, Western University
No classification provided (evidence only). Condition: Familial cancer of breast. Review status: no classification provided. Collection method: in vitro. Allele origin: not applicable. Functional consequence: retained intron. Not counted in ClinVar's aggregate classification.

Dr. Peter K. Rogan Lab, Western University
No classification provided (evidence only). Condition: Colon adenocarcinoma. Review status: no classification provided. Collection method: in vitro. Allele origin: not applicable. Functional consequence: retained intron. Not counted in ClinVar's aggregate classification.

Dr. Peter K. Rogan Lab, Western University
No classification provided (evidence only). Condition: Uterine corpus endometrial carcinoma. Review status: no classification provided. Collection method: in vitro. Allele origin: not applicable. Functional consequence: retained intron. Not counted in ClinVar's aggregate classification.

Dr. Peter K. Rogan Lab, Western University
No classification provided (evidence only). Condition: Ovarian serous cystadenocarcinoma. Review status: no classification provided. Collection method: in vitro. Allele origin: not applicable. Functional consequence: retained intron. Not counted in ClinVar's aggregate classification.

Dr. Peter K. Rogan Lab, Western University
No classification provided (evidence only). Condition: Ovarian serous cystadenocarcinoma. Review status: no classification provided. Collection method: in vitro. Allele origin: not applicable. Functional consequence: retained intron. Not counted in ClinVar's aggregate classification.

Dr. Peter K. Rogan Lab, Western University
No classification provided (evidence only). Condition: Gastric cancer. Review status: no classification provided. Collection method: in vitro. Allele origin: not applicable. Functional consequence: retained intron. Not counted in ClinVar's aggregate classification.

Dr. Peter K. Rogan Lab, Western University
No classification provided (evidence only). Condition: Malignant tumor of esophagus. Review status: no classification provided. Collection method: in vitro. Allele origin: not applicable. Functional consequence: retained intron. Not counted in ClinVar's aggregate classification.

Dr. Peter K. Rogan Lab, Western University
No classification provided (evidence only). Condition: Malignant tumor of esophagus. Review status: no classification provided. Collection method: in vitro. Allele origin: not applicable. Functional consequence: retained intron. Not counted in ClinVar's aggregate classification.

Literature cited by the submitters: PubMed 32505569 (cited by Mayo Clinic Laboratories, Mayo Clinic); PubMed 33858366 (cited by Mayo Clinic Laboratories, Mayo Clinic).

NM_000293.3(PHKB):c.574A>G (p.Ile192Val)

Gene: PHKB (phosphorylase kinase regulatory subunit beta; plus strand). Cytogenetic location: 16q12.1.
Variant type: single nucleotide variant.
Coding change: c.574A>G on transcript NM_000293.3 (MANE Select); coding-DNA position 574, A replaced by G.
Protein change: p.Ile192Val; replaces isoleucine 192 with valine.
Molecular consequence: missense variant.
Genome position (GRCh38, 1-based): chr16:47,515,581, A>G. VCF-style: chr16-47515581-A-G. GRCh37 (hg19) VCF-style: chr16-47549492-A-G.
Other names: p.Ile192Val; c.553A>G, p.Ile185Val (NM_001031835.3); c.574A>G, p.Ile192Val (NM_001363837.1); short protein forms I192V, I185V.
Identifiers: ClinVar variation 516456 (VCV000516456.58), dbSNP rs117218785, ClinGen allele CA8040532.
Genomic context (GRCh38, chr16:47,515,581, plus strand): 5'-ATAAATGCAGTGTCACTTTATCTCCTTTACCTTGTGGAAATGATTTCCTCAGGACTCCAG[A>G]TTATCTACAACACTGATGAGGTATGCTTTCCCCAAATTTTCTATTACTAAATTTCACCTC-3'
Protein context (NP_000284.1, residues 182-202): LVEMISSGLQ[Ile192Val]IYNTDEVSFI